The following is an entry in ClinVar:

ClinVar aggregate classification (germline): Uncertain significance (1 of 4 stars; one submission).

Conditions:
Long QT syndrome (LQTS). Identifiers: MedGen C0023976, MeSH D008133, MONDO:0002442. Disease mechanism: loss of function. Inheritance: Various modes of inheritance.

Allele frequency attached by ClinVar (database versions not stated): TOPMed below 0.00001; gnomAD 0.00001.
gnomAD v4.1: 1 of 1,614,028 alleles (0.000062%); highest among the groups gnomAD compares: South Asian, 0.0011%; no homozygotes.

Submission:

Labcorp Genetics (formerly Invitae), Labcorp
Classification: Uncertain significance for Long QT syndrome. Last evaluated: 2019-11-27. Review status: criteria provided, single submitter. Criteria: Invitae Variant Classification Sherloc (09022015). Collection method: clinical testing. Allele origin: germline.
Comment: This sequence change replaces aspartic acid with asparagine at codon 2572 of the ANK2 protein (p.Asp2572Asn). The aspartic acid residue is weakly conserved and there is a small physicochemical difference between aspartic acid and asparagine. In summary, the available evidence is currently insufficient to determine the role of this variant in disease. Therefore, it has been classified as a Variant of Uncertain Significance. Algorithms developed to predict the effect of missense changes on protein structure and function are either unavailable or do not agree on the potential impact of this missense change (SIFT: "Tolerated"; PolyPhen-2: "Possibly Damaging"; Align-GVGD: "Class C0"). This variant has not been reported in the literature in individuals with ANK2-related conditions. This variant is not present in population databases (ExAC no frequency).

NM_001148.6(ANK2):c.7714G>A (p.Asp2572Asn)

Genes: ANK2 (ankyrin 2; plus strand), LOC126807137 (CDK7 strongly-dependent group 2 enhancer GRCh37_chr4:114276560-114277759; plus strand). Cytogenetic location: 4q26.
Variant type: single nucleotide variant.
Coding change: c.7714G>A on transcript NM_001148.6 (MANE Select); coding-DNA position 7714, G replaced by A.
Protein change: p.Asp2572Asn; replaces aspartic acid 2572 with asparagine.
Molecular consequence: missense variant. On other transcripts: intron variant (68).
Genome position (GRCh38, 1-based): chr4:113,356,332, G>A. VCF-style: chr4-113356332-G-A. GRCh37 (hg19) VCF-style: chr4-114277488-G-A.
Other names: c.7480G>A, p.Asp2494Asn (NM_001386142.1); c.4114G>A, p.Asp1372Asn (NM_001386166.1); c.7855G>A, p.Asp2619Asn (NM_001386174.1); c.7831G>A, p.Asp2611Asn (NM_001386175.1); c.4412-4491G>A (NM_001386186.2, NM_001386148.2); c.4214-4491G>A (NM_001354269.3); c.4292-4491G>A (NM_001386187.2); c.4253-4491G>A (NM_001386147.1); and 35 more; short protein forms D2572N, D1372N, D2494N, D2611N, D2619N.
Identifiers: ClinVar variation 845599 (VCV000845599.7), dbSNP rs1198252206, ClinGen allele CA357931673.
Genomic context (GRCh38, chr4:113,356,332, plus strand): 5'-CCCAAAACCACAGATGTAAGTACACCAAAACCAGCTGTGATTCATGAATGTGCAGAGGAG[G>A]ATGATTCAGAAAACGGGGAGAAAAAGAGGTTCACACCTGAAGAGGAGATGTTTAAAATGG-3'
Protein context (NP_001139.3, residues 2562-2582): PAVIHECAEE[Asp2572Asn]DSENGEKKRF